The following is an entry in ClinVar:

ClinVar aggregate classification (germline): Likely benign (1 of 4 stars; one submission).

Allele frequency attached by ClinVar (database versions not stated): ExAC 0.00003; gnomAD exomes 0.00003; TOPMed 0.00003; gnomAD 0.00005; ESP Exome Variant Server 0.00009; 1000 Genomes Project 30x 0.00021; 1000 Genomes Project 0.00026.
gnomAD v4.1: 34 of 1,205,316 alleles (0.0028%); highest among the groups gnomAD compares: Non-Finnish European, 0.0035%; no homozygotes.

Submission:

CeGaT Center for Human Genetics Tuebingen
Classification: Likely benign. Last evaluated: 2024-06-01. Review status: criteria provided, single submitter. Criteria: CeGaT Center For Human Genetics Tuebingen Variant Classification Criteria Version 2. Collection method: clinical testing. Allele origin: germline. Affected: yes. Observed: 1 variant allele.
Comment: CSTF2: BP4

NM_001325.3(CSTF2):c.1475C>T (p.Ala492Val)

Gene: CSTF2 (cleavage stimulation factor subunit 2; plus strand). Cytogenetic location: Xq22.1.
Variant type: single nucleotide variant.
Coding change: c.1475C>T on transcript NM_001325.3 (MANE Select); coding-DNA position 1475, C replaced by T.
Protein change: p.Ala492Val; replaces alanine 492 with valine.
Molecular consequence: missense variant.
Genome position (GRCh38, 1-based): chrX:100,833,447, C>T. VCF-style: chrX-100833447-C-T. GRCh37 (hg19) VCF-style: chrX-100088436-C-T.
Other names: c.1535C>T, p.Ala512Val (NM_001306206.2); c.1424C>T, p.Ala475Val (NM_001306209.2); short protein forms A475V, A492V, A512V.
Identifiers: ClinVar variation 3250760 (VCV003250760.18), dbSNP rs139392902.